The following is an entry in ClinVar:

ClinVar aggregate classification (germline): Uncertain significance (1 of 4 stars; one submission).

Allele frequency attached by ClinVar (database versions not stated): TOPMed below 0.00001; gnomAD 0.00001; gnomAD exomes 0.00002.
gnomAD v4.1: 32 of 1,548,572 alleles (0.0021%); highest among the groups gnomAD compares: Middle Eastern, 0.017%; no homozygotes.

Submission:

Labcorp Genetics (formerly Invitae), Labcorp
Classification: Uncertain significance. Last evaluated: 2022-04-28. Review status: criteria provided, single submitter. Criteria: Invitae Variant Classification Sherloc (09022015). Collection method: clinical testing. Allele origin: germline.
Comment: The RIN2 gene has multiple clinically relevant transcripts. This variant occurs in alternate transcript NM_001242581.1, and corresponds to NM_018993.3:c.-2872A>G in the primary transcript. This sequence change replaces serine, which is neutral and polar, with glycine, which is neutral and non-polar, at codon 21 of the RIN2 protein (p.Ser21Gly). This variant is present in population databases (no rsID available, gnomAD 0.004%). This variant has not been reported in the literature in individuals affected with RIN2-related conditions. Experimental studies and prediction algorithms are not available or were not evaluated, and the functional significance of this variant is currently unknown. In summary, the available evidence is currently insufficient to determine the role of this variant in disease. Therefore, it has been classified as a Variant of Uncertain Significance.

NM_018993.4(RIN2):c.-36-2836A>G

Gene: RIN2 (Ras and Rab interactor 2; plus strand). Cytogenetic location: 20p11.23.
Variant type: single nucleotide variant.
Coding change: c.-36-2836A>G on transcript NM_018993.4 (MANE Select); 2836 bases into the intron before 36 bases upstream of the start codon, A replaced by G.
Molecular consequence: intron variant. On other transcripts: missense variant (1).
Genome position (GRCh38, 1-based): chr20:19,886,730, A>G. VCF-style: chr20-19886730-A-G. GRCh37 (hg19) VCF-style: chr20-19867374-A-G.
Other names: c.61A>G, p.Ser21Gly (NM_001242581.2); c.-581-2836A>G (NM_001378238.1); short protein forms S21G.
Identifiers: ClinVar variation 2060142 (VCV002060142.1), dbSNP rs1322895285, ClinGen allele CA408482539.
Genomic context (GRCh38, chr20:19,886,730, plus strand): 5'-ATGTTGGACTCATTTTCTCAAGAATCCACTTTACCCTTCAGGGAAGCCAGGAAAAGAACA[A>G]GCTTCCAACCGGTACAAGTCTGGAGGAATTTCACAGCCTCTCAAACTACGGTACCCTTTT-3'